The following is an entry in ClinVar:

Conditions:
Breast-ovarian cancer, familial, susceptibility to, 1 (BROVCA1). Also called: BRCA1 Hereditary Breast and Ovarian Cancer; OVARIAN CANCER, SUSCEPTIBILITY TO. Identifiers: Orphanet 145, MedGen C2676676, MONDO:0011450, OMIM 604370. Disease mechanism: loss of function.

Submission:

Brotman Baty Institute, University of Washington
No classification provided (evidence only). Condition: Breast-ovarian cancer, familial 1. Review status: no classification provided. Collection method: in vitro. Allele origin: not applicable. Functional consequence: functionally_normal.
ClinVar note: "not provided" was previously submitted as the classification for the variant. However, the classification appeared to be based only on an observation of functional data so it was converted to no classification on 2025-07-30.

NM_007294.4(BRCA1):c.135-3T>A

Gene: BRCA1 (BRCA1 DNA repair associated; minus strand). Cytogenetic location: 17q21.31.
Variant type: single nucleotide variant.
Coding change: c.135-3T>A on transcript NM_007294.4 (MANE Select); 3 bases into the intron before coding-DNA position 135, T replaced by A.
Molecular consequence: intron variant.
Genome position (GRCh38, 1-based): chr17:43,106,536, A>T on the plus strand (T>A on the coding strand, the complement: BRCA1 is on the minus strand). VCF-style: chr17-43106536-A-T. GRCh37 (hg19) VCF-style: chr17-41258553-A-T.
Other names: c.-7-3T>A (NM_001408458.1, NM_001407931.1, NM_001407747.1 and 99 more transcripts); c.-218-11676T>A (NM_001407967.1, NM_001407966.1); c.-169-1580T>A (NM_001407959.1, NM_001407962.1, NM_001408512.1 and 4 more transcripts); c.-54-3T>A (NM_001407885.1, NM_001407886.1, NM_001407898.1 and 58 more transcripts); c.135-3T>A (NM_001407686.1, NM_001408397.1, NM_001407632.1 and 167 more transcripts); c.81-1580T>A (NM_001408451.1); c.135-1580T>A (NM_001408475.1, NM_001407875.1, NM_001407659.1 and 21 more transcripts).
Identifiers: ClinVar variation 865187 (VCV000865187.3), dbSNP rs759417413, ClinGen allele CA916080912.
Genomic context (GRCh38, chr17:43,106,536, plus strand): 5'-ACATAAAGGACACTGTGAAGGCCCTTTCTTCTGGTTGAGAAGTTTCAGCATGCAAAATCT[A>T]TAAATTATAAAGAAAGAAAGAACAATTTAATTTACTTCCTTTTGTAGAAAGAATACTCAA-3'